The following is an entry in ClinVar:

NM_023110.3(FGFR1):c.*1982A>C

Genes: FGFR1 (fibroblast growth factor receptor 1; minus strand), LOC102723716 (uncharacterized LOC102723716; minus strand). Cytogenetic location: 8p11.23.
Variant type: single nucleotide variant.
Coding change: c.*1982A>C on transcript NM_023110.3 (MANE Select); 1982 bases downstream of the stop codon, A replaced by C.
Molecular consequence: 3 prime UTR variant.
Genome position (GRCh38, 1-based): chr8:38,411,646, T>G on the plus strand (A>C on the coding strand, the complement: FGFR1 is on the minus strand). VCF-style: chr8-38411646-T-G. GRCh37 (hg19) VCF-style: chr8-38269164-T-G.
Other names: c.*1982A>C (NM_001174063.2, NM_001174064.2, NM_001174065.2 and 6 more transcripts); c.*743A>C (NM_001354367.2, NM_001354369.2, NM_001354370.2).
Identifiers: ClinVar variation 908569 (VCV000908569.4), dbSNP rs536000259, ClinGen allele CA175135563.

ClinVar aggregate classification (germline): Conflicting classifications of pathogenicity. Review status: criteria provided, conflicting classifications (1 of 4 stars). 4 submissions from 1 submitter: Uncertain significance (1); Benign (2); Likely benign (1). Last evaluated 2018-01-13.

Conditions:
Craniosynostosis syndrome. Also called: Craniosynostosis. Identifiers: Orphanet 1531, MedGen C0010278, MeSH D003398, MONDO:0015469, HP:0001363.
Osteoglophonic dysplasia (OGD). Also called: Osteoglophonic dwarfism. Identifiers: Orphanet 2645, MedGen C0432283, MONDO:0008150, OMIM 166250.
Hypogonadotropic hypogonadism 2 with or without anosmia (HH2). Also called: HYPOGONADOTROPIC HYPOGONADISM 2 WITHOUT ANOSMIA; HYPOGONADOTROPIC HYPOGONADISM 2 WITH OR WITHOUT ANOSMIA, SUSCEPTIBILITY TO; HYPOGONADOTROPIC HYPOGONADISM 2 WITHOUT ANOSMIA, SUSCEPTIBILITY TO; FGFR1-Related GnRH Deficiency (Kallmann Syndrome 2). Identifiers: Orphanet 478, MedGen C1563720, MONDO:0007844, OMIM 147950. Disease mechanism: loss of function.
Trigonocephaly 1 (TRIGNO1). Identifiers: Orphanet 3366, MedGen C0432122, MONDO:0008603, OMIM 190440.

Allele frequency attached by ClinVar (database versions not stated): gnomAD exomes 0.00001; TOPMed 0.00001; 1000 Genomes Project 0.00080; 1000 Genomes Project 30x 0.00094.
gnomAD v4.1: 10 of 229,702 alleles (0.0044%); highest among the groups gnomAD compares: South Asian, 0.18%; no homozygotes.

Submissions (4):

Illumina Laboratory Services, Illumina
Classification: Benign for Trigonocephaly 1. Last evaluated: 2018-01-13. Review status: criteria provided, single submitter. Criteria: ICSL Variant Classification Criteria 13 December 2019. Collection method: clinical testing. Allele origin: germline.
Comment: This variant was observed in the ICSL laboratory as part of a predisposition screen in an ostensibly healthy population. It had not been previously curated by ICSL or reported in the Human Gene Mutation Database (HGMD: prior to June 1st, 2018), and was therefore a candidate for classification through an automated scoring system. Utilizing variant allele frequency, disease prevalence and penetrance estimates, and inheritance mode, an automated score was calculated to assess if this variant is too frequent to cause the disease. Based on the score and internal cut-off values, a variant classified as benign is not then subjected to further curation. The score for this variant resulted in a classification of benign for this disease.

Illumina Laboratory Services, Illumina
Classification: Uncertain significance for Hypogonadotropic hypogonadism 2 with or without anosmia. Last evaluated: 2018-01-13. Review status: criteria provided, single submitter. Criteria: ICSL Variant Classification Criteria 13 December 2019. Collection method: clinical testing. Allele origin: germline.

Illumina Laboratory Services, Illumina
Classification: Benign for Osteoglophonic dysplasia. Last evaluated: 2018-01-13. Review status: criteria provided, single submitter. Criteria: ICSL Variant Classification Criteria 13 December 2019. Collection method: clinical testing. Allele origin: germline.
Comment: the same text as in the submission from Illumina Laboratory Services, Illumina above.

Illumina Laboratory Services, Illumina
Classification: Likely benign for Craniosynostosis. Last evaluated: 2018-01-13. Review status: criteria provided, single submitter. Criteria: ICSL Variant Classification Criteria 13 December 2019. Collection method: clinical testing. Allele origin: germline.
Comment: This variant was observed in the ICSL laboratory as part of a predisposition screen in an ostensibly healthy population. It had not been previously curated by ICSL or reported in the Human Gene Mutation Database (HGMD: prior to June 1st, 2018), and was therefore a candidate for classification through an automated scoring system. Utilizing variant allele frequency, disease prevalence and penetrance estimates, and inheritance mode, an automated score was calculated to assess if this variant is too frequent to cause the disease. Based on the score and internal cut-off values, a variant classified as likely benign is not then subjected to further curation. The score for this variant resulted in a classification of likely benign for this disease.